The following is an entry in ClinVar:

NM_001164508.2(NEB):c.18472-1G>C

Gene: NEB (nebulin; minus strand). Cytogenetic location: 2q23.3.
Variant type: single nucleotide variant.
Coding change: c.18472-1G>C on transcript NM_001164508.2 (MANE Select); the canonical splice acceptor site of the intron before coding-DNA position 18472, G replaced by C.
Molecular consequence: splice acceptor variant.
Genome position (GRCh38, 1-based): chr2:151,563,931, C>G on the plus strand (G>C on the coding strand, the complement: NEB is on the minus strand). VCF-style: chr2-151563931-C-G. GRCh37 (hg19) VCF-style: chr2-152420445-C-G.
Other names: c.18472-1G>C (NM_001271208.1, NM_001164507.2, NM_001271208.2); c.13369-1G>C (NM_004543.5).
Identifiers: ClinVar variation 1066715 (VCV001066715.14), dbSNP rs1203257517, ClinGen allele CA348800471.
Genomic context (GRCh38, chr2:151,563,931, plus strand): 5'-GCGCTCATCCAGGGTGTAGCCATAGGCCTTGGTGCCCTCCCACGCCCCTTTATACAGTAT[C>G]TAGAACAAAGAAATACATGGCAACAAAAGTTTTCTTTCAACTTCTTTCAGATACCACTAA-3'

ClinVar aggregate classification (germline): Likely pathogenic. Review status: criteria provided, multiple submitters, no conflicts (2 of 4 stars). 5 submissions from 5 submitters: Likely pathogenic (4). 1 of the submissions does not count toward it. Last evaluated 2023-09-21.

Conditions:
Arthrogryposis multiplex congenita 6. Identifiers: MedGen C5543431, MONDO:0030281, OMIM 619334.
Nemaline myopathy. Also called: Myopathies, Nemaline. Identifiers: Orphanet 607, MedGen C0206157, MONDO:0018958.
Nemaline myopathy 2 (NEM2). Also called: Nemaline myopathy 2, autosomal recessive. Identifiers: MedGen C1850569, MONDO:0009725, OMIM 256030.

Allele frequency attached by ClinVar (database versions not stated): gnomAD exomes 0.00001; TOPMed 0.00002; gnomAD 0.00003.
gnomAD v4.1: 11 of 1,591,472 alleles (0.00069%); highest among the groups gnomAD compares: Non-Finnish European, 0.00094%; no homozygotes.

Submissions (5):

Labcorp Genetics (formerly Invitae), Labcorp
Classification: Likely pathogenic for Nemaline myopathy 2. Last evaluated: 2023-09-21. Review status: criteria provided, single submitter. Criteria: Invitae Variant Classification Sherloc (09022015). Collection method: clinical testing. Allele origin: germline.
Comment: This sequence change affects an acceptor splice site in intron 117 of the NEB gene. It is expected to disrupt RNA splicing. Variants that disrupt the donor or acceptor splice site typically lead to a loss of protein function (PMID: 16199547), and loss-of-function variants in NEB are known to be pathogenic (PMID: 25205138). In summary, the currently available evidence indicates that the variant is pathogenic, but additional data are needed to prove that conclusively. Therefore, this variant has been classified as Likely Pathogenic. Algorithms developed to predict the effect of sequence changes on RNA splicing suggest that this variant may disrupt the consensus splice site. ClinVar contains an entry for this variant (Variation ID: 1066715). This variant has not been reported in the literature in individuals affected with NEB-related conditions. This variant is not present in population databases (gnomAD no frequency).

Baylor Genetics
Classification: Likely pathogenic for Arthrogryposis multiplex congenita 6. Last evaluated: 2023-07-11. Review status: criteria provided, single submitter. Criteria: ACMG Guidelines, 2015. Collection method: clinical testing. Allele origin: unknown.

Women's Health and Genetics/Laboratory Corporation of America, LabCorp
Classification: Likely pathogenic for Nemaline myopathy. Last evaluated: 2022-10-10. Review status: criteria provided, single submitter. Criteria: LabCorp Variant Classification Summary - May 2015. Collection method: clinical testing. Allele origin: germline.
Comment: Variant summary: NEB c.18472-1G>C is located in a canonical splice-site and is predicted to affect mRNA splicing resulting in a significantly altered protein due to either exon skipping, shortening, or inclusion of intronic material. Several computational tools predict a significant impact on normal splicing: four predict the variant abolishes a 3' acceptor site. However, these predictions have yet to be confirmed by functional studies. The variant allele was found at a frequency of 2.7e-05 in 150900 control chromosomes (gnomAD v3.1, genomes dataset). To our knowledge, no occurrence of c.18472-1G>C in individuals affected with Nemaline Myopathy 2 and no experimental evidence demonstrating its impact on protein function have been reported. Two clinical diagnostic laboratories have submitted clinical-significance assessments for this variant to ClinVar after 2014 and classified the variant as likely pathogenic. Based on the evidence outlined above, the variant was classified as likely pathogenic.

Fulgent Genetics
Classification: Likely pathogenic for Nemaline myopathy 2; Arthrogryposis multiplex congenita 6. Last evaluated: 2022-04-27. Review status: criteria provided, single submitter. Criteria: ACMG Guidelines, 2015. Collection method: clinical testing. Allele origin: unknown.

Natera, Inc.
Classification: Likely pathogenic for Nemaline myopathy type 2. Last evaluated: 2020-08-17. Review status: no assertion criteria provided. Collection method: clinical testing. Allele origin: germline. Not counted in ClinVar's aggregate classification.

Literature cited by the submitters: PubMed 16199547 (cited by Labcorp Genetics (formerly Invitae), Labcorp); PubMed 25205138 (cited by Labcorp Genetics (formerly Invitae), Labcorp).